The following is an entry in ClinVar:

ClinVar aggregate classification (germline): Benign (1 of 4 stars; one submission).

Allele frequency attached by ClinVar (database versions not stated): 1000 Genomes Project 0.00619; 1000 Genomes Project 30x 0.00656; TOPMed 0.00908; gnomAD 0.00910; ESP Exome Variant Server 0.01081; ExAC 0.01150; gnomAD exomes 0.01319.
gnomAD v4.1: 20,431 of 1,598,274 alleles (1.3%); highest among the groups gnomAD compares: Middle Eastern, 2.1%; 163 homozygotes.

Submissions (15):

CeGaT Center for Human Genetics Tuebingen
Classification: Benign. Last evaluated: 2023-03-01. Review status: criteria provided, single submitter. Criteria: CeGaT Center For Human Genetics Tuebingen Variant Classification Criteria Version 2. Collection method: clinical testing. Allele origin: germline. Affected: yes. Observed: 1 variant allele.
Comment: RYK: BP4, BS1, BS2

Dr. Peter K. Rogan Lab, Western University
No classification provided (evidence only). Condition: Lung cancer. Review status: no classification provided. Collection method: in vitro. Allele origin: not applicable. Functional consequence: skipped exon. Not counted in ClinVar's aggregate classification.

Dr. Peter K. Rogan Lab, Western University
No classification provided (evidence only). Condition: Lung cancer. Review status: no classification provided. Collection method: in vitro. Allele origin: not applicable. Functional consequence: retained intron. Not counted in ClinVar's aggregate classification.

Dr. Peter K. Rogan Lab, Western University
No classification provided (evidence only). Condition: Lung cancer. Review status: no classification provided. Collection method: in vitro. Allele origin: not applicable. Functional consequence: retained intron. Not counted in ClinVar's aggregate classification.

Dr. Peter K. Rogan Lab, Western University
No classification provided (evidence only). Condition: Acute myeloid leukemia. Review status: no classification provided. Collection method: in vitro. Allele origin: not applicable. Functional consequence: retained intron. Not counted in ClinVar's aggregate classification.

Dr. Peter K. Rogan Lab, Western University
No classification provided (evidence only). Condition: Acute myeloid leukemia. Review status: no classification provided. Collection method: in vitro. Allele origin: not applicable. Functional consequence: retained intron. Not counted in ClinVar's aggregate classification.

Dr. Peter K. Rogan Lab, Western University
No classification provided (evidence only). Condition: Cervical cancer. Review status: no classification provided. Collection method: in vitro. Allele origin: not applicable. Functional consequence: retained intron. Not counted in ClinVar's aggregate classification.

Dr. Peter K. Rogan Lab, Western University
No classification provided (evidence only). Condition: Sarcoma. Review status: no classification provided. Collection method: in vitro. Allele origin: not applicable. Functional consequence: retained intron. Not counted in ClinVar's aggregate classification.

Dr. Peter K. Rogan Lab, Western University
No classification provided (evidence only). Condition: Thymoma. Review status: no classification provided. Collection method: in vitro. Allele origin: not applicable. Functional consequence: retained intron. Not counted in ClinVar's aggregate classification.

Dr. Peter K. Rogan Lab, Western University
No classification provided (evidence only). Condition: Ovarian serous cystadenocarcinoma. Review status: no classification provided. Collection method: in vitro. Allele origin: not applicable. Functional consequence: retained intron. Not counted in ClinVar's aggregate classification.

Dr. Peter K. Rogan Lab, Western University
No classification provided (evidence only). Condition: Gastric cancer. Review status: no classification provided. Collection method: in vitro. Allele origin: not applicable. Functional consequence: retained intron. Not counted in ClinVar's aggregate classification.

Dr. Peter K. Rogan Lab, Western University
No classification provided (evidence only). Condition: Malignant tumor of esophagus. Review status: no classification provided. Collection method: in vitro. Allele origin: not applicable. Functional consequence: skipped exon, retained intron. Not counted in ClinVar's aggregate classification.

Dr. Peter K. Rogan Lab, Western University
No classification provided (evidence only). Condition: Nonpapillary renal cell carcinoma. Review status: no classification provided. Collection method: in vitro. Allele origin: not applicable. Functional consequence: skipped exon. Not counted in ClinVar's aggregate classification.

Dr. Peter K. Rogan Lab, Western University
No classification provided (evidence only). Condition: Lymphoma. Review status: no classification provided. Collection method: in vitro. Allele origin: not applicable. Functional consequence: retained intron. Not counted in ClinVar's aggregate classification.

Dr. Peter K. Rogan Lab, Western University
No classification provided (evidence only). Condition: Lymphoma. Review status: no classification provided. Collection method: in vitro. Allele origin: not applicable. Functional consequence: skipped exon, retained intron. Not counted in ClinVar's aggregate classification.

NM_002958.4(RYK):c.1015+6T>G

Gene: RYK (receptor like tyrosine kinase; minus strand). Cytogenetic location: 3q22.2.
Variant type: single nucleotide variant.
Coding change: c.1015+6T>G on transcript NM_002958.4 (MANE Select); 6 bases into the intron after coding-DNA position 1015, T replaced by G.
Molecular consequence: intron variant.
Genome position (GRCh38, 1-based): chr3:134,191,843, A>C on the plus strand (T>G on the coding strand, the complement: RYK is on the minus strand). VCF-style: chr3-134191843-A-C. GRCh37 (hg19) VCF-style: chr3-133910687-A-C.
Other names: NC_000003.11:g.133910687A>C; c.1024+6T>G (NM_001005861.3).
Identifiers: ClinVar variation 2654162 (VCV002654162.25), dbSNP rs55965934, ClinGen allele CA2627174.